The following is an entry in ClinVar:

NM_000202.8(IDS):c.929A>G (p.Gln310Arg)

Genes: IDS (iduronate 2-sulfatase; minus strand), LOC106050102 (IDS recombination region; plus strand). Cytogenetic location: Xq28.
Variant type: single nucleotide variant.
Coding change: c.929A>G on transcript NM_000202.8 (MANE Select); coding-DNA position 929, A replaced by G.
Protein change: p.Gln310Arg; replaces glutamine 310 with arginine.
Molecular consequence: missense variant. On other transcripts: non-coding transcript variant (1).
Genome position (GRCh38, 1-based): chrX:149,490,391, T>C on the plus strand (A>G on the coding strand, the complement: IDS is on the minus strand). VCF-style: chrX-149490391-T-C. GRCh37 (hg19) VCF-style: chrX-148571922-T-C.
Other names: c.929A>G (NM_000202.7); c.659A>G, p.Gln220Arg (NM_001166550.4); c.929A>G, p.Gln310Arg (NM_006123.5); short protein forms Q220R, Q310R.
Identifiers: ClinVar variation 1154582 (VCV001154582.8), dbSNP rs782210625, ClinGen allele CA10537548.

ClinVar aggregate classification (germline): Likely benign. Review status: criteria provided, multiple submitters, no conflicts (2 of 4 stars). 2 submissions from 2 submitters: Likely benign (2). Last evaluated 2026-01-05.

Conditions:
IDS-related disorder. Also called: IDS-related condition.
Mucopolysaccharidosis, MPS-II (MPS2). Also called: IDS deficiency; Sulfoiduronate sulfatase deficiency; SIDS deficiency; IDURONATE 2-SULFATASE DEFICIENCY; Mucopolysaccharidosis Type II; Attenuated MPS (subtype; formerly known as mild MPS II). Identifiers: Orphanet 580, Orphanet 79388, MedGen C0026705, MONDO:0010674, OMIM 309900.

Allele frequency attached by ClinVar (database versions not stated): TOPMed 0.00001; gnomAD exomes 0.00002 and 0.00008; ExAC 0.00010.
gnomAD v4.1: 16 of 1,210,399 alleles (0.0013%); highest among the groups gnomAD compares: Admixed American, 0.035%; no homozygotes.

Submissions (2):

Labcorp Genetics (formerly Invitae), Labcorp
Classification: Likely benign for Mucopolysaccharidosis, MPS-II. Last evaluated: 2026-01-05. Review status: criteria provided, single submitter. Criteria: Invitae Variant Classification Sherloc (09022015). Collection method: clinical testing. Allele origin: germline.

PreventionGenetics, part of Exact Sciences
Classification: Likely benign for IDS-related condition. Last evaluated: 2025-04-02. Review status: criteria provided, single submitter. Criteria: ACMG Guidelines, 2015. Collection method: clinical testing. Allele origin: germline.
Comment: This variant is classified as likely benign based on ACMG/AMP sequence variant interpretation guidelines (Richards et al. 2015 PMID: 25741868, with internal and published modifications).